The following is an entry in ClinVar:

NM_001374259.2(IL12RB2):c.39G>A (p.Met13Ile)

Gene: IL12RB2 (interleukin 12 receptor subunit beta 2; plus strand). Cytogenetic location: 1p31.3.
Variant type: single nucleotide variant.
Coding change: c.39G>A on transcript NM_001374259.2 (MANE Select); coding-DNA position 39, G replaced by A.
Protein change: p.Met13Ile; replaces methionine 13 with isoleucine.
Molecular consequence: missense variant. On other transcripts: non-coding transcript variant (2).
Genome position (GRCh38, 1-based): chr1:67,320,407, G>A. VCF-style: chr1-67320407-G-A. GRCh37 (hg19) VCF-style: chr1-67786090-G-A.
Other names: c.39G>A, p.Met13Ile (NM_001258214.1, NM_001258215.1, NM_001258216.1 and 2 more transcripts); short protein forms M13I.
Identifiers: ClinVar variation 2006650 (VCV002006650.4), dbSNP rs2525812857, ClinGen allele CA340729981.
Genomic context (GRCh38, chr1:67,320,407, plus strand): 5'-TCTATACCAGAGTTGATTGTTGATGGCACATACTTTTAGAGGATGCTCATTGGCATTTAT[G>A]TTTATAATCACGTGGCTGTTGATTAAAGCAAAAATAGGTAAGATATTTCTGTAAGTTACT-3'
Protein context (NP_001361188.1, residues 3-23): HTFRGCSLAF[Met13Ile]FIITWLLIKA

ClinVar aggregate classification (germline): Uncertain significance (1 of 4 stars; one submission).

Submission:

Labcorp Genetics (formerly Invitae), Labcorp
Classification: Uncertain significance. Last evaluated: 2022-10-20. Review status: criteria provided, single submitter. Criteria: Invitae Variant Classification Sherloc (09022015). Collection method: clinical testing. Allele origin: germline.
Comment: In summary, the available evidence is currently insufficient to determine the role of this variant in disease. Therefore, it has been classified as a Variant of Uncertain Significance. Algorithms developed to predict the effect of missense changes on protein structure and function output the following: SIFT: "Tolerated"; PolyPhen-2: "Benign"; Align-GVGD: "Class C0". The isoleucine amino acid residue is found in multiple mammalian species, which suggests that this missense change does not adversely affect protein function. This variant has not been reported in the literature in individuals affected with IL12RB2-related conditions. This variant is not present in population databases (gnomAD no frequency). This sequence change replaces methionine, which is neutral and non-polar, with isoleucine, which is neutral and non-polar, at codon 13 of the IL12RB2 protein (p.Met13Ile).